The following is an entry in ClinVar:

NM_000093.5(COL5A1):c.3852+4A>T

Gene: COL5A1 (collagen type V alpha 1 chain; plus strand). Cytogenetic location: 9q34.3.
Variant type: single nucleotide variant.
Coding change: c.3852+4A>T on transcript NM_000093.5 (MANE Select); 4 bases into the intron after coding-DNA position 3852, A replaced by T.
Molecular consequence: intron variant.
Genome position (GRCh38, 1-based): chr9:134,812,716, A>T. VCF-style: chr9-134812716-A-T. GRCh37 (hg19) VCF-style: chr9-137704562-A-T.
Other names: c.3852+4A>T (NM_001278074.1).
Identifiers: ClinVar variation 2906234 (VCV002906234.3), dbSNP rs2490824057, ClinGen allele CA2739265218.

ClinVar aggregate classification (germline): Uncertain significance (1 of 4 stars; one submission).

Conditions:
Ehlers-Danlos syndrome, classic type, 1 (EDSCL1). Also called: EDS I; EHLERS-DANLOS SYNDROME, GRAVIS TYPE; EHLERS-DANLOS SYNDROME, SEVERE CLASSIC TYPE; Ehlers-Danlos syndrome, type 1; Ehlers-Danlos Syndrome, Classic Type, COL5A1-Related. Identifiers: MedGen C0268335, MONDO:0019567, OMIM 130000.

Submission:

Labcorp Genetics (formerly Invitae), Labcorp
Classification: Uncertain significance for Ehlers-Danlos syndrome, classic type, 1. Last evaluated: 2023-04-26. Review status: criteria provided, single submitter. Criteria: Invitae Variant Classification Sherloc (09022015). Collection method: clinical testing. Allele origin: germline.
Comment: This sequence change falls in intron 48 of the COL5A1 gene. It does not directly change the encoded amino acid sequence of the COL5A1 protein. It affects a nucleotide within the consensus splice site. This variant is not present in population databases (gnomAD no frequency). This variant has not been reported in the literature in individuals affected with COL5A1-related conditions. Variants that disrupt the consensus splice site are a relatively common cause of aberrant splicing (PMID: 17576681, 9536098). Algorithms developed to predict the effect of sequence changes on RNA splicing suggest that this variant is not likely to affect RNA splicing. In summary, the available evidence is currently insufficient to determine the role of this variant in disease. Therefore, it has been classified as a Variant of Uncertain Significance.

Literature cited by the submitters: PubMed 17576681; PubMed 9536098.